The following is an entry in ClinVar:

NM_001371986.1(UNC80):c.6961G>A (p.Glu2321Lys)

Gene: UNC80 (unc-80 homolog, NALCN channel complex subunit; plus strand). Cytogenetic location: 2q34.
Variant type: single nucleotide variant.
Coding change: c.6961G>A on transcript NM_001371986.1 (MANE Select); coding-DNA position 6961, G replaced by A.
Protein change: p.Glu2321Lys; replaces glutamic acid 2321 with lysine.
Molecular consequence: missense variant.
Genome position (GRCh38, 1-based): chr2:209,943,425, G>A. VCF-style: chr2-209943425-G-A. GRCh37 (hg19) VCF-style: chr2-210808149-G-A.
Other names: c.6763G>A, p.Glu2255Lys (NM_032504.2); c.6748G>A, p.Glu2250Lys (NM_182587.4); short protein forms E2250K, E2321K, E2255K.
Identifiers: ClinVar variation 2072971 (VCV002072971.2), dbSNP rs374925223, ClinGen allele CA2083427.

ClinVar aggregate classification (germline): Uncertain significance (1 of 4 stars; one submission).

Allele frequency attached by ClinVar (database versions not stated): gnomAD exomes 0.00001; gnomAD 0.00002; TOPMed 0.00002; ExAC 0.00004; ESP Exome Variant Server 0.00022.
gnomAD v4.1: 15 of 1,551,978 alleles (0.00097%); highest among the groups gnomAD compares: South Asian, 0.0024%; no homozygotes.

Submission:

Labcorp Genetics (formerly Invitae), Labcorp
Classification: Uncertain significance. Last evaluated: 2023-02-14. Review status: criteria provided, single submitter. Criteria: Invitae Variant Classification Sherloc (09022015). Collection method: clinical testing. Allele origin: germline.
Comment: This sequence change replaces glutamic acid, which is acidic and polar, with lysine, which is basic and polar, at codon 2255 of the UNC80 protein (p.Glu2255Lys). This variant is present in population databases (rs374925223, gnomAD 0.004%). This variant has not been reported in the literature in individuals affected with UNC80-related conditions. Advanced modeling of protein sequence and biophysical properties (such as structural, functional, and spatial information, amino acid conservation, physicochemical variation, residue mobility, and thermodynamic stability) performed at Invitae indicates that this missense variant is not expected to disrupt UNC80 protein function. In summary, the available evidence is currently insufficient to determine the role of this variant in disease. Therefore, it has been classified as a Variant of Uncertain Significance.